The following is an entry in ClinVar:

ClinVar aggregate classification (germline): Pathogenic (1 of 4 stars; one submission).

Conditions:
Capillary malformation-arteriovenous malformation syndrome. Also called: Capillary malformation-arteriovenous malformation. Identifiers: Orphanet 137667, MedGen C1842180, MONDO:0012016.

Submission:

Labcorp Genetics (formerly Invitae), Labcorp
Classification: Pathogenic for Capillary malformation-arteriovenous malformation syndrome. Last evaluated: 2020-11-11. Review status: criteria provided, single submitter. Criteria: Invitae Variant Classification Sherloc (09022015). Collection method: clinical testing. Allele origin: germline.
Comment: This sequence change creates a premature translational stop signal (p.Ala58Trpfs*53) in the RASA1 gene. It is expected to result in an absent or disrupted protein product. Loss-of-function variants in RASA1 are known to be pathogenic (PMID: 24038909). This variant is not present in population databases (ExAC no frequency). This variant has not been reported in the literature in individuals with RASA1-related conditions. For these reasons, this variant has been classified as Pathogenic.

Literature cited by the submitters: PubMed 24038909.

NM_002890.3(RASA1):c.172_173del (p.Ala58fs)

Gene: RASA1 (RAS p21 protein activator 1; plus strand). Cytogenetic location: 5q14.3.
Variant type: Deletion.
Coding change: c.172_173del on transcript NM_002890.3 (MANE Select); coding-DNA positions 172 to 173, 2 bases deleted (GC; older notation c.172_173delGC).
Protein change: p.Ala58fs; shifts the reading frame from alanine 58.
Molecular consequence: frameshift variant.
Genome position (GRCh38, 1-based): chr5:87,268,623-87,268,624, GC deleted. VCF-style (leftmost placement, unchanged base first): chr5-87268622-GGC-G. GRCh37 (hg19) VCF-style: chr5-86564439-GGC-G.
Other names: short protein forms A58fs.
Identifiers: ClinVar variation 1075206 (VCV001075206.7), dbSNP rs2112222433, ClinGen allele CA2499217970.